The following is an entry in ClinVar:

NM_001378454.1(ALMS1):c.2207_2299del (p.Thr736_Gln766del)

Gene: ALMS1 (ALMS1 centrosome and basal body associated protein; plus strand). Cytogenetic location: 2p13.1.
Variant type: Deletion.
Coding change: c.2207_2299del on transcript NM_001378454.1 (MANE Select); coding-DNA positions 2207 to 2299, 93 bases deleted.
Protein change: p.Thr736_Gln766del.
Molecular consequence: inframe deletion.
Genome position (GRCh38, 1-based): chr2:73,448,734-73,448,826, 93 bases deleted. GRCh37 (hg19): chr2:73,675,861-73,675,953.
Other names: c.2210_2302del, p.Thr737_Gln767del (NM_015120.4).
Identifiers: ClinVar variation 863412 (VCV000863412.8), dbSNP rs1671861000, ClinGen allele CA916082174.

ClinVar aggregate classification (germline): Uncertain significance (1 of 4 stars; one submission).

Conditions:
Alstrom syndrome (ALMS). Identifiers: Orphanet 64, MedGen C0268425, MONDO:0008763, OMIM 203800.

Submission:

Labcorp Genetics (formerly Invitae), Labcorp
Classification: Uncertain significance for Alstrom syndrome. Last evaluated: 2022-11-08. Review status: criteria provided, single submitter. Criteria: Invitae Variant Classification Sherloc (09022015). Collection method: clinical testing. Allele origin: germline.
Comment: In summary, the available evidence is currently insufficient to determine the role of this variant in disease. Therefore, it has been classified as a Variant of Uncertain Significance. Experimental studies and prediction algorithms are not available or were not evaluated, and the functional significance of this variant is currently unknown. ClinVar contains an entry for this variant (Variation ID: 863412). This variant has not been reported in the literature in individuals affected with ALMS1-related conditions. This variant is not present in population databases (gnomAD no frequency). This variant, c.2210_2302del, results in the deletion of 31 amino acid(s) of the ALMS1 protein (p.Thr737_Gln767del), but otherwise preserves the integrity of the reading frame.